The following is an entry in ClinVar:

ClinVar aggregate classification (germline): Likely benign. Review status: criteria provided, multiple submitters, no conflicts (2 of 4 stars). 2 submissions from 2 submitters: Likely benign (2). Last evaluated 2026-02-01.

Allele frequency attached by ClinVar (database versions not stated): ExAC 0.00003.
gnomAD v4.1: 8 of 1,588,536 alleles (0.0005%); highest among the groups gnomAD compares: African/African-American, 0.0054%; no homozygotes.

Submissions (2):

CeGaT Center for Human Genetics Tuebingen
Classification: Likely benign. Last evaluated: 2026-02-01. Review status: criteria provided, single submitter. Criteria: CeGaT Center For Human Genetics Tuebingen Variant Classification Criteria Version 2. Collection method: clinical testing. Allele origin: germline. Affected: yes. Observed: 1 variant allele.
Comment: PEPD: BP4, BP7

Labcorp Genetics (formerly Invitae), Labcorp
Classification: Likely benign. Last evaluated: 2024-03-01. Review status: criteria provided, single submitter. Criteria: Invitae Variant Classification Sherloc (09022015). Collection method: clinical testing. Allele origin: germline.

NM_000285.4(PEPD):c.702C>T (p.Gly234=)

Gene: PEPD (peptidase D; minus strand). Cytogenetic location: 19q13.11.
Variant type: single nucleotide variant.
Coding change: c.702C>T on transcript NM_000285.4 (MANE Select); coding-DNA position 702, C replaced by T.
Protein change: p.Gly234=; no amino-acid change (glycine 234 retained).
Molecular consequence: synonymous variant.
Genome position (GRCh38, 1-based): chr19:33,413,613, G>A on the plus strand (C>T on the coding strand, the complement: PEPD is on the minus strand). VCF-style: chr19-33413613-G-A. GRCh37 (hg19) VCF-style: chr19-33904519-G-A.
Other names: c.579C>T, p.Gly193= (NM_001166056.2); c.510C>T, p.Gly170= (NM_001166057.2).
Identifiers: ClinVar variation 1616267 (VCV001616267.12), dbSNP rs753617751, ClinGen allele CA9364179.